The following is an entry in ClinVar:

ClinVar aggregate classification (germline): Uncertain significance (1 of 4 stars; one submission).

Submission:

Labcorp Genetics (formerly Invitae), Labcorp
Classification: Uncertain significance. Last evaluated: 2022-08-12. Review status: criteria provided, single submitter. Criteria: Invitae Variant Classification Sherloc (09022015). Collection method: clinical testing. Allele origin: germline.
Comment: This sequence change replaces glycine, which is neutral and non-polar, with arginine, which is basic and polar, at codon 610 of the JAK1 protein (p.Gly610Arg). This variant is not present in population databases (gnomAD no frequency). This variant has not been reported in the literature in individuals affected with JAK1-related conditions. Algorithms developed to predict the effect of missense changes on protein structure and function are either unavailable or do not agree on the potential impact of this missense change (SIFT: "Not Available"; PolyPhen-2: "Probably Damaging"; Align-GVGD: "Not Available"). In summary, the available evidence is currently insufficient to determine the role of this variant in disease. Therefore, it has been classified as a Variant of Uncertain Significance.

NM_002227.4(JAK1):c.1828G>A (p.Gly610Arg)

Genes: JAK1 (Janus kinase 1; minus strand), LOC126805749 (BRD4-independent group 4 enhancer GRCh37_chr1:65312286-65313485; plus strand). Cytogenetic location: 1p31.3.
Variant type: single nucleotide variant.
Coding change: c.1828G>A on transcript NM_002227.4 (MANE Select); coding-DNA position 1828, G replaced by A.
Protein change: p.Gly610Arg; replaces glycine 610 with arginine.
Molecular consequence: missense variant.
Genome position (GRCh38, 1-based): chr1:64,847,603, C>T on the plus strand (G>A on the coding strand, the complement: JAK1 is on the minus strand). VCF-style: chr1-64847603-C-T. GRCh37 (hg19) VCF-style: chr1-65313286-C-T.
Other names: c.1828G>A, p.Gly610Arg (NM_001320923.2, NM_001321852.2, NM_001321853.2 and 3 more transcripts); c.1825G>A, p.Gly609Arg (NM_001321857.2); short protein forms G609R, G610R.
Identifiers: ClinVar variation 2172039 (VCV002172039.4), dbSNP rs2524098988, ClinGen allele CA340668140.